The following is an entry in ClinVar:

NM_014000.3(VCL):c.1835C>T (p.Ala612Val)

Gene: VCL (vinculin; plus strand). Cytogenetic location: 10q22.2.
Variant type: single nucleotide variant.
Coding change: c.1835C>T on transcript NM_014000.3 (MANE Select); coding-DNA position 1835, C replaced by T.
Protein change: p.Ala612Val; replaces alanine 612 with valine.
Molecular consequence: missense variant.
Genome position (GRCh38, 1-based): chr10:74,097,295, C>T. VCF-style: chr10-74097295-C-T. GRCh37 (hg19) VCF-style: chr10-75857053-C-T.
Other names: c.1835C>T, p.Ala612Val (NM_003373.4); short protein forms A612V.
Identifiers: ClinVar variation 648270 (VCV000648270.7), dbSNP rs1591707558, ClinGen allele CA377276791.

ClinVar aggregate classification (germline): Uncertain significance (1 of 4 stars; one submission).

Conditions:
Dilated cardiomyopathy 1W (CMD1W). Identifiers: Orphanet 154, MedGen C1969639, MONDO:0012667, OMIM 611407.

Submission:

Labcorp Genetics (formerly Invitae), Labcorp
Classification: Uncertain significance for Dilated cardiomyopathy 1W. Last evaluated: 2023-11-21. Review status: criteria provided, single submitter. Criteria: Invitae Variant Classification Sherloc (09022015). Collection method: clinical testing. Allele origin: germline.
Comment: This sequence change replaces alanine, which is neutral and non-polar, with valine, which is neutral and non-polar, at codon 612 of the VCL protein (p.Ala612Val). This variant is not present in population databases (gnomAD no frequency). This variant has not been reported in the literature in individuals affected with VCL-related conditions. ClinVar contains an entry for this variant (Variation ID: 648270). An algorithm developed to predict the effect of missense changes on protein structure and function (PolyPhen-2) suggests that this variant is likely to be disruptive. In summary, the available evidence is currently insufficient to determine the role of this variant in disease. Therefore, it has been classified as a Variant of Uncertain Significance.